The following is an entry in ClinVar:

ClinVar aggregate classification (germline): Likely benign (0 of 4 stars; one submission).

Conditions:
ARHGEF28-related disorder. Also called: ARHGEF28-related condition.

Allele frequency attached by ClinVar (database versions not stated): 1000 Genomes Project 30x 0.00016.

Submission:

PreventionGenetics, part of Exact Sciences
Classification: Likely benign for ARHGEF28-related condition. Last evaluated: 2023-05-18. Review status: no assertion criteria provided. Collection method: clinical testing. Allele origin: germline.
Comment: This variant is classified as likely benign based on ACMG/AMP sequence variant interpretation guidelines (Richards et al. 2015 PMID: 25741868, with internal and published modifications).

NM_001177693.2(ARHGEF28):c.891C>T (p.Ser297=)

Gene: ARHGEF28 (Rho guanine nucleotide exchange factor 28; plus strand). Cytogenetic location: 5q13.2.
Variant type: single nucleotide variant.
Coding change: c.891C>T on transcript NM_001177693.2 (MANE Select); coding-DNA position 891, C replaced by T.
Protein change: p.Ser297=; no amino-acid change (serine 297 retained).
Molecular consequence: synonymous variant.
Genome position (GRCh38, 1-based): chr5:73,780,726, C>T. VCF-style: chr5-73780726-C-T. GRCh37 (hg19) VCF-style: chr5-73076551-C-T.
Other names: c.891C>T, p.Ser297= (NM_001080479.3, NM_001388078.1); c.597C>T, p.Ser199= (NM_001388076.1).
Identifiers: ClinVar variation 3030518 (VCV003030518.2), dbSNP rs780509291, ClinGen allele CA444842210.